The following is an entry in ClinVar:

NM_006231.4(POLE):c.4769G>C (p.Ser1590Thr)

Gene: POLE (DNA polymerase epsilon, catalytic subunit; minus strand). Cytogenetic location: 12q24.33.
Variant type: single nucleotide variant.
Coding change: c.4769G>C on transcript NM_006231.4 (MANE Select); coding-DNA position 4769, G replaced by C.
Protein change: p.Ser1590Thr; replaces serine 1590 with threonine.
Molecular consequence: missense variant.
Genome position (GRCh38, 1-based): chr12:132,642,689, C>G on the plus strand (G>C on the coding strand, the complement: POLE is on the minus strand). VCF-style: chr12-132642689-C-G. GRCh37 (hg19) VCF-style: chr12-133219275-C-G.
Other names: short protein forms S1590T.
Identifiers: ClinVar variation 1742941 (VCV001742941.7), dbSNP rs2042176298, ClinGen allele CA387378453.

ClinVar aggregate classification (germline): Uncertain significance. Review status: criteria provided, multiple submitters, no conflicts (2 of 4 stars). 2 submissions from 2 submitters: Uncertain significance (2). Last evaluated 2022-02-21.

Conditions:
Hereditary cancer-predisposing syndrome. Also called: Hereditary Cancer Syndrome; Hereditary neoplastic syndrome; Neoplastic Syndromes, Hereditary; Tumor predisposition. Identifiers: Orphanet 140162, MedGen C0027672, MeSH D009386, MONDO:0015356.

Submissions (2):

Ambry Genetics
Classification: Uncertain significance for Hereditary cancer-predisposing syndrome. Last evaluated: 2022-02-21. Review status: criteria provided, single submitter. Criteria: Ambry Variant Classification Scheme 2023. Collection method: clinical testing. Allele origin: germline.
Comment: The p.S1590T variant (also known as c.4769G>C), located in coding exon 37 of the POLE gene, results from a G to C substitution at nucleotide position 4769. The serine at codon 1590 is replaced by threonine, an amino acid with similar properties. This amino acid position is conserved. In addition, this alteration is predicted to be tolerated by in silico analysis. Since supporting evidence is limited at this time, the clinical significance of this alteration remains unclear.

Labcorp Genetics (formerly Invitae), Labcorp
Classification: Uncertain significance. Last evaluated: 2021-12-29. Review status: criteria provided, single submitter. Criteria: Invitae Variant Classification Sherloc (09022015). Collection method: clinical testing. Allele origin: germline.
Comment: In summary, the available evidence is currently insufficient to determine the role of this variant in disease. Therefore, it has been classified as a Variant of Uncertain Significance. Algorithms developed to predict the effect of missense changes on protein structure and function output the following: SIFT: "Tolerated"; PolyPhen-2: "Benign"; Align-GVGD: "Class C0". The threonine amino acid residue is found in multiple mammalian species, which suggests that this missense change does not adversely affect protein function. This variant has not been reported in the literature in individuals affected with POLE-related conditions. This variant is not present in population databases (gnomAD no frequency). This sequence change replaces serine, which is neutral and polar, with threonine, which is neutral and polar, at codon 1590 of the POLE protein (p.Ser1590Thr).